The following is an entry in ClinVar:

ClinVar aggregate classification (germline): Pathogenic (0 of 4 stars; one submission).

Conditions:
alpha Thalassemia. Also called: Alpha thalassemia spectrum. Identifiers: Orphanet 846, MedGen C0002312, MONDO:0011399, OMIM 604131.

Submission:

Department of Medical Genomics, Royal Prince Alfred Hospital
Classification: Pathogenic for alpha Thalassemia. Last evaluated: 2022-09-02. Review status: no assertion criteria provided. Collection method: clinical testing. Allele origin: unknown. Inheritance: Autosomal dominant inheritance. Affected: yes. Observed: 1 heterozygote.
Comment: Haemoglobin electrophoresis showed 2 abnormal bands after the A2 position. This c.320T>G variant, leading to a missense change p.(Leu107Arg) in the haemoglobin alpha 2 subunit (HBA2), has not been reported in literature. This variant has not been observed in population database. A different missense variant at the same amino acid position, p.(Leu106Pro) in the homologous haemoglobin alpha 1 subunit (HBA1), also known as Hb Charlieu, also causes microcytosis and hypochromia without anaaemia.

NM_000517.6(HBA2):c.320T>G (p.Leu107Arg)

Genes: HBA2 (hemoglobin subunit alpha 2; plus strand), LOC106804612 (hemoglobin subunit alpha 2 recombination region; plus strand). Cytogenetic location: 16p13.3.
Variant type: single nucleotide variant.
Coding change: c.320T>G on transcript NM_000517.6 (MANE Select); coding-DNA position 320, T replaced by G.
Protein change: p.Leu107Arg; replaces leucine 107 with arginine.
Molecular consequence: missense variant.
Genome position (GRCh38, 1-based): chr16:173,491, T>G. VCF-style: chr16-173491-T-G. GRCh37 (hg19) VCF-style: chr16-223490-T-G.
Other names: short protein forms L107R.
Identifiers: ClinVar variation 2628369 (VCV002628369.2), dbSNP rs2505431550, ClinGen allele CA393994422.